The following is an entry in ClinVar:

ClinVar aggregate classification (germline): Uncertain significance (1 of 4 stars; one submission).

gnomAD v4.1: 1 of 1,611,714 alleles (0.000062%); highest among the groups gnomAD compares: South Asian, 0.0011%; no homozygotes.

Submission:

GeneDx
Classification: Uncertain significance. Last evaluated: 2024-04-15. Review status: criteria provided, single submitter. Criteria: GeneDx Variant Classification Process June 2021. Collection method: clinical testing. Allele origin: germline. Affected: yes.
Comment: Not observed at significant frequency in large population cohorts (gnomAD); In silico analysis supports that this missense variant has a deleterious effect on protein structure/function; Has not been previously published as pathogenic or benign to our knowledge

NM_001205293.3(CACNA1E):c.6469C>G (p.Arg2157Gly)

Gene: CACNA1E (calcium voltage-gated channel subunit alpha1 E; plus strand). Cytogenetic location: 1q25.3.
Variant type: single nucleotide variant.
Coding change: c.6469C>G on transcript NM_001205293.3 (MANE Select); coding-DNA position 6469, C replaced by G.
Protein change: p.Arg2157Gly; replaces arginine 2157 with glycine.
Molecular consequence: missense variant.
Genome position (GRCh38, 1-based): chr1:181,798,361, C>G. VCF-style: chr1-181798361-C-G. GRCh37 (hg19) VCF-style: chr1-181767497-C-G.
Other names: c.6340C>G, p.Arg2114Gly (NM_000721.4); c.6283C>G, p.Arg2095Gly (NM_001205294.2); short protein forms R2095G, R2114G, R2157G.
Identifiers: ClinVar variation 3372450 (VCV003372450.1).